The following is an entry in ClinVar:

NM_033026.6(PCLO):c.15133C>T (p.His5045Tyr)

Gene: PCLO (piccolo presynaptic cytomatrix protein; minus strand). Cytogenetic location: 7q21.11.
Variant type: single nucleotide variant.
Coding change: c.15133C>T on transcript NM_033026.6 (MANE Select); coding-DNA position 15133, C replaced by T.
Protein change: p.His5045Tyr; replaces histidine 5045 with tyrosine.
Molecular consequence: missense variant.
Genome position (GRCh38, 1-based): chr7:82,761,368, G>A on the plus strand (C>T on the coding strand, the complement: PCLO is on the minus strand). VCF-style: chr7-82761368-G-A. GRCh37 (hg19) VCF-style: chr7-82390684-G-A.
Other names: short protein forms H5045Y.
Identifiers: ClinVar variation 1367503 (VCV001367503.8), dbSNP rs747790550, ClinGen allele CA4318617.

ClinVar aggregate classification (germline): Uncertain significance (1 of 4 stars; one submission).

Allele frequency attached by ClinVar (database versions not stated): TOPMed below 0.00001; gnomAD 0.00001; gnomAD exomes 0.00001; ExAC 0.00004.
gnomAD v4.1: 6 of 1,462,170 alleles (0.00041%); highest among the groups gnomAD compares: Non-Finnish European, 0.00019%; no homozygotes.

Submission:

Labcorp Genetics (formerly Invitae), Labcorp
Classification: Uncertain significance. Last evaluated: 2021-08-07. Review status: criteria provided, single submitter. Criteria: Invitae Variant Classification Sherloc (09022015). Collection method: clinical testing. Allele origin: germline.
Comment: This variant is present in population databases (rs747790550, ExAC 0.008%). This variant has not been reported in the literature in individuals affected with PCLO-related conditions. Algorithms developed to predict the effect of missense changes on protein structure and function are either unavailable or do not agree on the potential impact of this missense change (SIFT: "Deleterious"; PolyPhen-2: "Not Available"; Align-GVGD: "Class C0"). In summary, the available evidence is currently insufficient to determine the role of this variant in disease. Therefore, it has been classified as a Variant of Uncertain Significance. This sequence change replaces histidine with tyrosine at codon 5045 of the PCLO protein (p.His5045Tyr). The histidine residue is weakly conserved and there is a moderate physicochemical difference between histidine and tyrosine.